The following is an entry in ClinVar:

ClinVar aggregate classification (germline): Uncertain significance (1 of 4 stars; one submission).

Conditions:
Neuropathy, hereditary sensory and autonomic, type 2A (HSAN2A). Also called: HSAN IIA; ACROOSTEOLYSIS, GIACCAI TYPE; ACROOSTEOLYSIS, NEUROGENIC; MORVAN DISEASE; NEUROPATHY, CONGENITAL SENSORY; NEUROPATHY, HEREDITARY SENSORY RADICULAR, AUTOSOMAL RECESSIVE. Identifiers: Orphanet 970, MedGen C2752089, MONDO:0024309, OMIM 201300.
Generalized epilepsy with febrile seizures plus, type 7 (GEFSP7). Also called: GEFS+, TYPE 7. Identifiers: Orphanet 36387, MedGen C2751778, MONDO:0013470, OMIM 613863.

Submission:

Labcorp Genetics (formerly Invitae), Labcorp
Classification: Uncertain significance for Neuropathy, hereditary sensory and autonomic, type 2A; Generalized epilepsy with febrile seizures plus, type 7. Last evaluated: 2024-04-24. Review status: criteria provided, single submitter. Criteria: Invitae Variant Classification Sherloc (09022015). Collection method: clinical testing. Allele origin: germline.
Comment: This sequence change falls in intron 4 of the SCN9A gene. It does not directly change the encoded amino acid sequence of the SCN9A protein. This variant is not present in population databases (gnomAD no frequency). This variant has not been reported in the literature in individuals affected with SCN9A-related conditions. Algorithms developed to predict the effect of sequence changes on RNA splicing suggest that this variant may disrupt the consensus splice site. In summary, the available evidence is currently insufficient to determine the role of this variant in disease. Therefore, it has been classified as a Variant of Uncertain Significance.

NM_001365536.1(SCN9A):c.468-17T>C

Gene: SCN9A (sodium voltage-gated channel alpha subunit 9; minus strand). Cytogenetic location: 2q24.3.
Variant type: single nucleotide variant.
Coding change: c.468-17T>C on transcript NM_001365536.1 (MANE Select); 17 bases into the intron before coding-DNA position 468, T replaced by C.
Molecular consequence: intron variant.
Genome position (GRCh38, 1-based): chr2:166,305,937, A>G on the plus strand (T>C on the coding strand, the complement: SCN9A is on the minus strand). VCF-style: chr2-166305937-A-G. GRCh37 (hg19) VCF-style: chr2-167162447-A-G.
Other names: c.468-17T>C (NM_002977.4).
Identifiers: ClinVar variation 3761629 (VCV003761629.2).